The following is an entry in ClinVar:

NM_001042413.2(GLIS3):c.1318A>G (p.Thr440Ala)

Gene: GLIS3 (GLIS family zinc finger 3; minus strand). Cytogenetic location: 9p24.2.
Variant type: single nucleotide variant.
Coding change: c.1318A>G on transcript NM_001042413.2 (MANE Select); coding-DNA position 1318, A replaced by G.
Protein change: p.Thr440Ala; replaces threonine 440 with alanine.
Molecular consequence: missense variant.
Genome position (GRCh38, 1-based): chr9:4,118,160, T>C on the plus strand (A>G on the coding strand, the complement: GLIS3 is on the minus strand). VCF-style: chr9-4118160-T-C. GRCh37 (hg19) VCF-style: chr9-4118160-T-C.
Other names: c.853A>G, p.Thr285Ala (NM_152629.4); short protein forms T440A, T285A.
Identifiers: ClinVar variation 393415 (VCV000393415.30), dbSNP rs80161424, ClinGen allele CA4968238.

ClinVar aggregate classification (germline): Benign/Likely benign. Review status: criteria provided, multiple submitters, no conflicts (2 of 4 stars). 6 submissions from 6 submitters: Benign (3); Likely benign (3). Last evaluated 2025-11-24.

Conditions:
Monogenic diabetes. Identifiers: Orphanet 183625, MedGen C3888631, MONDO:0015967.
Transitory neonatal diabetes mellitus. Also called: Transient neonatal diabetes mellitus. Identifiers: MedGen C0342273, MONDO:0020525, HP:0008255.
Neonatal diabetes mellitus with congenital hypothyroidism. Also called: NDH SYNDROME. Identifiers: Orphanet 79118, MedGen C1857775, MONDO:0012436, OMIM 610199.
Inborn genetic diseases. Identifiers: MedGen C0950123, MeSH D030342.

Allele frequency attached by ClinVar (database versions not stated): gnomAD exomes 0.00063; ExAC 0.00077; ESP Exome Variant Server 0.00189; 1000 Genomes Project 0.00220; 1000 Genomes Project 30x 0.00312; gnomAD 0.00314; TOPMed 0.00319.
gnomAD v4.1: 871 of 1,564,204 alleles (0.056%); highest among the groups gnomAD compares: African/African-American, 1.1%; 4 homozygotes.

Submissions (6):

Labcorp Genetics (formerly Invitae), Labcorp
Classification: Benign. Last evaluated: 2025-11-24. Review status: criteria provided, single submitter. Criteria: Invitae Variant Classification Sherloc (09022015). Collection method: clinical testing. Allele origin: germline.

CeGaT Center for Human Genetics Tuebingen
Classification: Likely benign. Last evaluated: 2024-09-01. Review status: criteria provided, single submitter. Criteria: CeGaT Center For Human Genetics Tuebingen Variant Classification Criteria Version 2. Collection method: clinical testing. Allele origin: germline. Affected: yes. Observed: 1 variant allele.
Comment: GLIS3: BP4, BS1

Fulgent Genetics
Classification: Likely benign for Neonatal diabetes mellitus with congenital hypothyroidism. Last evaluated: 2021-10-28. Review status: criteria provided, single submitter. Criteria: ACMG Guidelines, 2015. Collection method: clinical testing. Allele origin: unknown.

Ambry Genetics
Classification: Likely benign for Inborn genetic diseases. Last evaluated: 2021-06-22. Review status: criteria provided, single submitter. Criteria: Ambry Variant Classification Scheme 2023. Collection method: clinical testing. Allele origin: germline.

Personalized Diabetes Medicine Program, University of Maryland School of Medicine
Classification: Benign for Monogenic diabetes. Last evaluated: 2017-11-10. Review status: criteria provided, single submitter. Criteria: ACMG Guidelines, 2015. Collection method: research. Allele origin: unknown. Observed: 2 variant alleles, 2 heterozygotes.
Comment: ACMG criteria: BP4 (10 predictors), BS1 (1.07% in ExAC African pop.), BS2 (29 cases and 18 controls in an online resource)=benign

Clinical Genomics, Uppaluri K&H Personalized Medicine Clinic
Classification: Benign for Transitory neonatal diabetes mellitus. Review status: criteria provided, single submitter. Criteria: K & H Uppaluri Personalized Medicine Clinic Variant Classification & Assertion Criteria_Updated V.1. Collection method: research. Allele origin: unknown.
Comment: Potent mutations in GLIS3 predisposes to neonatal diabetes mellitus with an extra pancreatic manifestation of hypothyroidism. It also predisposes to early onset diabetes in adults.However no sufficient evidence is found to ascertain the role of this particular variant rs80161424, yet.

Literature cited by the submitters: PubMed 32693112 (cited by Clinical Genomics, Uppaluri K&H Personalized Medicine Clinic); PubMed 27899417 (cited by Clinical Genomics, Uppaluri K&H Personalized Medicine Clinic); PubMed 29992946 (cited by Clinical Genomics, Uppaluri K&H Personalized Medicine Clinic); PubMed 35394098 (cited by Clinical Genomics, Uppaluri K&H Personalized Medicine Clinic); PubMed 29146476 (cited by Clinical Genomics, Uppaluri K&H Personalized Medicine Clinic).